The following is an entry in ClinVar:

NM_001042681.2(RERE):c.4074C>G (p.Thr1358=)

Gene: RERE (arginine-glutamic acid dipeptide repeats; minus strand). Cytogenetic location: 1p36.23.
Variant type: single nucleotide variant.
Coding change: c.4074C>G on transcript NM_001042681.2 (MANE Select); coding-DNA position 4074, C replaced by G.
Protein change: p.Thr1358=; no amino-acid change (threonine 1358 retained).
Molecular consequence: synonymous variant.
Genome position (GRCh38, 1-based): chr1:8,358,461, G>C on the plus strand (C>G on the coding strand, the complement: RERE is on the minus strand). VCF-style: chr1-8358461-G-C. GRCh37 (hg19) VCF-style: chr1-8418521-G-C.
Other names: c.2412C>G, p.Thr804= (NM_001042682.2); c.4074C>G, p.Thr1358= (NM_012102.4).
Identifiers: ClinVar variation 2962799 (VCV002962799.20), dbSNP rs776342552, ClinGen allele CA570906.

ClinVar aggregate classification (germline): Likely benign. Review status: criteria provided, multiple submitters, no conflicts (2 of 4 stars). 2 submissions from 2 submitters: Likely benign (2). Last evaluated 2025-11-01.

gnomAD v4.1: 3 of 1,584,872 alleles (0.00019%); highest among the groups gnomAD compares: Admixed American, 0.0017%; no homozygotes.

Submissions (2):

Labcorp Genetics (formerly Invitae), Labcorp
Classification: Likely benign. Last evaluated: 2025-11-01. Review status: criteria provided, single submitter. Criteria: Invitae Variant Classification Sherloc (09022015). Collection method: clinical testing. Allele origin: germline.

CeGaT Center for Human Genetics Tuebingen
Classification: Likely benign. Last evaluated: 2024-07-01. Review status: criteria provided, single submitter. Criteria: CeGaT Center For Human Genetics Tuebingen Variant Classification Criteria Version 2. Collection method: clinical testing. Allele origin: germline. Affected: yes. Observed: 1 variant allele.
Comment: RERE: BP4, BP7